The following is an entry in ClinVar:

NM_015488.5(PNKD):c.293G>A (p.Arg98His)

Genes: CATIP-AS2 (CATIP antisense RNA 2; minus strand), PNKD (PNKD metallo-beta-lactamase domain containing; plus strand). Cytogenetic location: 2q35.
Variant type: single nucleotide variant.
Coding change: c.293G>A on transcript NM_015488.5 (MANE Select); coding-DNA position 293, G replaced by A.
Protein change: p.Arg98His; replaces arginine 98 with histidine.
Molecular consequence: missense variant.
Genome position (GRCh38, 1-based): chr2:218,339,839, G>A. VCF-style: chr2-218339839-G-A. GRCh37 (hg19) VCF-style: chr2-219204562-G-A.
Other names: c.221G>A, p.Arg74His (NM_022572.5); short protein forms R74H, R98H.
Identifiers: ClinVar variation 1328199 (VCV001328199.11), dbSNP rs201495280, ClinGen allele CA2103883.

ClinVar aggregate classification (germline): Uncertain significance. Review status: criteria provided, multiple submitters, no conflicts (2 of 4 stars). 4 submissions from 4 submitters: Uncertain significance (2). 2 of the submissions do not count toward it. Last evaluated 2025-10-10.

Conditions:
Paroxysmal nonkinesigenic dyskinesia. Also called: Paroxysmal non-kinesigenic dyskinesia. Identifiers: Orphanet 98810, MedGen C1869117, MONDO:0700088.
Paroxysmal nonkinesigenic dyskinesia 1 (PNKD1). Also called: DYSTONIA 8; Familial Paroxysmal Nonkinesigenic Dyskinesia; Nonkinesigenic choreoathetosis; Familial paroxysmal choreoathetosis; PxMD-PNKD; MOUNT-REBACK SYNDROME. Identifiers: Orphanet 98810, MedGen C4551506, MONDO:0700089, OMIM 118800, MONDO:0007326.

gnomAD v4.1: 14 of 1,613,348 alleles (0.00087%); highest among the groups gnomAD compares: African/African-American, 0.0053%; no homozygotes.

Submissions (4):

Labcorp Genetics (formerly Invitae), Labcorp
Classification: Uncertain significance for Paroxysmal nonkinesigenic dyskinesia. Last evaluated: 2025-10-10. Review status: criteria provided, single submitter. Criteria: Invitae Variant Classification Sherloc (09022015). Collection method: clinical testing. Allele origin: germline.
Comment: This sequence change replaces arginine, which is basic and polar, with histidine, which is basic and polar, at codon 98 of the PNKD protein (p.Arg98His). This variant is present in population databases (rs201495280, gnomAD 0.005%). This variant has not been reported in the literature in individuals affected with PNKD-related conditions. ClinVar contains an entry for this variant (Variation ID: 1328199). Invitae Evidence Modeling of protein sequence and biophysical properties (such as structural, functional, and spatial information, amino acid conservation, physicochemical variation, residue mobility, and thermodynamic stability) indicates that this missense variant is not expected to disrupt PNKD protein function with a negative predictive value of 80%. In summary, the available evidence is currently insufficient to determine the role of this variant in disease. Therefore, it has been classified as a Variant of Uncertain Significance.

3billion
Classification: Uncertain significance for Paroxysmal nonkinesigenic dyskinesia 1. Last evaluated: 2024-09-29. Review status: criteria provided, single submitter. Criteria: ACMG Guidelines, 2015. Collection method: clinical testing. Allele origin: germline. Affected: yes.
Comment: The variant is observed at an extremely low frequency in the gnomAD v4.1.0 dataset (total allele frequency: <0.001%). Predicted Consequence/Location: Missense variant. Missense changes are a common disease-causing mechanism. Damaging effect on gene or gene product predicted by in silico programs is uncertain [REVEL: 0.43 (damaging >=0.6, benign <0.4), 3Cnet: 0.19 (damaging >=0.6, benign <0.15)]. A different missense change at the same codon (p.Arg98Pro) has been reported to be associated with PNKD related disorder (ClinVar ID: VCV000432158). However the evidence of pathogenicity is insufficient at this time. Therefore, this variant is classified as VUS according to the recommendation of ACMG/AMP guideline.

Clinical Genetics DNA and cytogenetics Diagnostics Lab, Erasmus MC, Erasmus Medical Center
Classification: Uncertain significance. Review status: no assertion criteria provided. Collection method: clinical testing. Allele origin: germline. Affected: yes. Study: VKGL Data-share Consensus. Not counted in ClinVar's aggregate classification.

Diagnostic Laboratory, Department of Genetics, University Medical Center Groningen
Classification: Uncertain significance. Review status: no assertion criteria provided. Collection method: clinical testing. Allele origin: germline. Affected: yes. Study: VKGL Data-share Consensus. Not counted in ClinVar's aggregate classification.